The following is an entry in ClinVar:

ClinVar aggregate classification (germline): Pathogenic. Review status: criteria provided, multiple submitters, no conflicts (2 of 4 stars). 4 submissions from 4 submitters: Pathogenic (3). 1 of the submissions does not count toward it. Last evaluated 2025-09-17.

Conditions:
Breast-ovarian cancer, familial, susceptibility to, 1 (BROVCA1). Also called: BRCA1 Hereditary Breast and Ovarian Cancer; OVARIAN CANCER, SUSCEPTIBILITY TO. Identifiers: Orphanet 145, MedGen C2676676, MONDO:0011450, OMIM 604370. Disease mechanism: loss of function.
Hereditary breast ovarian cancer syndrome. Also called: Hereditary breast and ovarian cancer syndrome; Breast and ovarian cancer; Hereditary breast and ovarian cancer syndrome (HBOC); Hereditary breast and/or ovarian cancer syndrome; BRCA1- and BRCA2-Associated Hereditary Breast and Ovarian Cancer; Hereditary breast and ovarian cancer. Identifiers: Orphanet 145, MedGen C0677776, MeSH D061325, MONDO:0003582. Disease mechanism: loss of function.
Breast neoplasm. Also called: Neoplasm of breast; Breast tumor; Neoplasm of the breast; Breast Neoplasms. Identifiers: MedGen C1458155, MeSH D001943, MONDO:0021100, HP:0100013. Disease mechanism: gain of function.

Submissions (4):

Myriad Genetics, Inc.
Classification: Pathogenic for Breast-ovarian cancer, familial, susceptibility to, 1. Last evaluated: 2025-09-17. Review status: criteria provided, single submitter. Criteria: Myriad Autosomal Dominant, Autosomal Recessive and X-Linked Classification Criteria (2023). Collection method: clinical testing. Allele origin: unknown.
Comment: This variant is considered pathogenic. This variant creates a frameshift predicted to result in premature protein truncation.

Labcorp Genetics (formerly Invitae), Labcorp
Classification: Pathogenic for Hereditary breast ovarian cancer syndrome. Last evaluated: 2024-06-23. Review status: criteria provided, single submitter. Criteria: Invitae Variant Classification Sherloc (09022015). Collection method: clinical testing. Allele origin: germline.
Comment: This sequence change creates a premature translational stop signal (p.Val1719Glyfs*11) in the BRCA1 gene. It is expected to result in an absent or disrupted protein product. Loss-of-function variants in BRCA1 are known to be pathogenic (PMID: 20104584). This variant is not present in population databases (gnomAD no frequency). This premature translational stop signal has been observed in individual(s) with breast and/or ovarian cancer (PMID: 31825140). ClinVar contains an entry for this variant (Variation ID: 371936). For these reasons, this variant has been classified as Pathogenic.

3DMed Clinical Laboratory Inc
Classification: Pathogenic for Neoplasm of the breast. Last evaluated: 2017-06-28. Review status: criteria provided, single submitter. Criteria: ACMG Guidelines, 2015. Collection method: clinical testing. Allele origin: germline. Affected: yes.

Counsyl
Classification: Likely pathogenic for Breast-ovarian cancer, familial, susceptibility to, 1. Last evaluated: 2016-08-30. Review status: no assertion criteria provided. Collection method: clinical testing. Allele origin: unknown. Not counted in ClinVar's aggregate classification.

Literature cited by the submitters: PubMed 20104584 (cited by Labcorp Genetics (formerly Invitae), Labcorp); PubMed 31825140 (cited by Labcorp Genetics (formerly Invitae), Labcorp); PubMed 15145354 (cited by 3DMed Clinical Laboratory Inc).

NM_007294.4(BRCA1):c.5156del (p.Val1719fs)

Gene: BRCA1 (BRCA1 DNA repair associated; minus strand). Cytogenetic location: 17q21.31.
Variant type: Deletion.
Coding change: c.5156del on transcript NM_007294.4 (MANE Select); coding-DNA position 5156, one base deleted (T; older notation c.5156delT).
Protein change: p.Val1719fs; shifts the reading frame from valine 1719.
Molecular consequence: frameshift variant. On other transcripts: non-coding transcript variant (1).
Genome position (GRCh38, 1-based): chr17:43,063,370, A deleted on the plus strand (T on the coding strand, the reverse complement: BRCA1 is on the minus strand). VCF-style (leftmost placement, unchanged base first): chr17-43063369-CA-C. GRCh37 (hg19) VCF-style: chr17-41215386-CA-C.
Other names: c.5222delT, p.Val1741Glyfs (NM_001407582.1, NM_001407581.1); c.5219delT, p.Val1740Glyfs (NM_001407583.1, NM_001407585.1, NM_001407587.1); c.5216delT, p.Val1739Glyfs (NM_001407590.1, NM_001407591.1); c.5156delT, p.Val1719Glyfs (NM_001407593.1, NM_001407594.1, NM_001407596.1 and 7 more transcripts); c.5153delT, p.Val1718Glyfs (NM_001407610.1, NM_001407611.1, NM_001407612.1 and 17 more transcripts); c.5150delT, p.Val1717Glyfs (NM_001407627.1, NM_001407628.1, NM_001407629.1 and 14 more transcripts); c.5147delT, p.Val1716Glyfs (NM_001407644.1, NM_001407645.1); c.5144delT, p.Val1715Glyfs (NM_001407646.1); and 75 more; short protein forms V1672fs, V1719fs, V1740fs, V615fs.
Identifiers: ClinVar variation 371936 (VCV000371936.8), dbSNP rs1057517590, ClinGen allele CA16042164.
Genomic context (GRCh38, chr17:43,063,369, plus strand): 5'-TAGTTTGTAACATCAAGTACTTACCTCATTCAGCATTTTTCTTTCTTTAATAGACTGGGT[CA>C]CCCCTAAAGAGATCATAGAAAAGACAGGTTACATACAGCAGAAGAACGTGCTCTTTTCAC-3'